The following is an entry in ClinVar:

NM_001197104.2(KMT2A):c.5824C>T (p.Pro1942Ser)

Gene: KMT2A (lysine methyltransferase 2A; plus strand). Cytogenetic location: 11q23.3.
Variant type: single nucleotide variant.
Coding change: c.5824C>T on transcript NM_001197104.2 (MANE Select); coding-DNA position 5824, C replaced by T.
Protein change: p.Pro1942Ser; replaces proline 1942 with serine.
Molecular consequence: missense variant.
Genome position (GRCh38, 1-based): chr11:118,498,391, C>T. VCF-style: chr11-118498391-C-T. GRCh37 (hg19) VCF-style: chr11-118369106-C-T.
Other names: c.5914C>T, p.Pro1972Ser (NM_001412597.1); c.5815C>T, p.Pro1939Ser (NM_005933.4); short protein forms P1939S, P1942S, P1972S.
Identifiers: ClinVar variation 1712036 (VCV001712036.2), dbSNP rs2134366424, ClinGen allele CA382798504.

ClinVar aggregate classification (germline): Uncertain significance (1 of 4 stars; one submission).

Allele frequency attached by ClinVar (database versions not stated): gnomAD exomes below 0.00001.
gnomAD v4.1: 3 of 1,611,262 alleles (0.00019%); highest among the groups gnomAD compares: Non-Finnish European, 0.00025%; no homozygotes.

Submission:

GeneDx
Classification: Uncertain significance. Last evaluated: 2022-04-19. Review status: criteria provided, single submitter. Criteria: GeneDx Variant Classification Process June 2021. Collection method: clinical testing. Allele origin: germline. Affected: yes.
Comment: Not observed at significant frequency in large population cohorts (gnomAD); In silico analysis supports that this missense variant does not alter protein structure/function; Has not been previously published as pathogenic or benign to our knowledge